The following is an entry in ClinVar:

ClinVar aggregate classification (germline): Uncertain significance (1 of 4 stars; one submission).

Conditions:
Rubinstein-Taybi syndrome due to EP300 haploinsufficiency. Also called: RUBINSTEIN-TAYBI SYNDROME 2; EP300-Related Rubinstein-Taybi Syndrome. Identifiers: Orphanet 353284, Orphanet 783, MedGen C3150941, MONDO:0013364, OMIM 613684.

gnomAD v4.1: 4 of 1,613,742 alleles (0.00025%); highest among the groups gnomAD compares: South Asian, 0.0033%; no homozygotes.

Submission:

Labcorp Genetics (formerly Invitae), Labcorp
Classification: Uncertain significance for Rubinstein-Taybi syndrome due to EP300 haploinsufficiency. Last evaluated: 2022-05-03. Review status: criteria provided, single submitter. Criteria: Invitae Variant Classification Sherloc (09022015). Collection method: clinical testing. Allele origin: germline.
Comment: In summary, the available evidence is currently insufficient to determine the role of this variant in disease. Therefore, it has been classified as a Variant of Uncertain Significance. Advanced modeling of protein sequence and biophysical properties (such as structural, functional, and spatial information, amino acid conservation, physicochemical variation, residue mobility, and thermodynamic stability) performed at Invitae indicates that this missense variant is not expected to disrupt EP300 protein function. This variant has not been reported in the literature in individuals affected with EP300-related conditions. This variant is not present in population databases (gnomAD no frequency). This sequence change replaces methionine, which is neutral and non-polar, with threonine, which is neutral and polar, at codon 2170 of the EP300 protein (p.Met2170Thr).

NM_001429.4(EP300):c.6509T>C (p.Met2170Thr)

Gene: EP300 (EP300 lysine acetyltransferase; plus strand). Cytogenetic location: 22q13.2.
Variant type: single nucleotide variant.
Coding change: c.6509T>C on transcript NM_001429.4 (MANE Select); coding-DNA position 6509, T replaced by C.
Protein change: p.Met2170Thr; replaces methionine 2170 with threonine.
Molecular consequence: missense variant.
Genome position (GRCh38, 1-based): chr22:41,178,220, T>C. VCF-style: chr22-41178220-T-C. GRCh37 (hg19) VCF-style: chr22-41574224-T-C.
Other names: c.6431T>C, p.Met2144Thr (NM_001362843.2); short protein forms M2170T, M2144T.
Identifiers: ClinVar variation 1899468 (VCV001899468.5), dbSNP rs2517834950, ClinGen allele CA411682129.